The following is an entry in ClinVar:

ClinVar aggregate classification (germline): Uncertain significance (1 of 4 stars; one submission).

Conditions:
Hyperekplexia 2 (HKPX2). Identifiers: Orphanet 3197, MedGen C3553291, MONDO:0013828, OMIM 614619.

Allele frequency attached by ClinVar (database versions not stated): gnomAD exomes below 0.00001.
gnomAD v4.1: 2 of 1,613,918 alleles (0.00012%); highest among the groups gnomAD compares: Admixed American, 0.0033%; no homozygotes.

Submission:

Labcorp Genetics (formerly Invitae), Labcorp
Classification: Uncertain significance for Hyperekplexia 2. Last evaluated: 2023-05-08. Review status: criteria provided, single submitter. Criteria: Invitae Variant Classification Sherloc (09022015). Collection method: clinical testing. Allele origin: germline.
Comment: In summary, the available evidence is currently insufficient to determine the role of this variant in disease. Therefore, it has been classified as a Variant of Uncertain Significance. Advanced modeling of protein sequence and biophysical properties (such as structural, functional, and spatial information, amino acid conservation, physicochemical variation, residue mobility, and thermodynamic stability) performed at Invitae indicates that this missense variant is expected to disrupt GLRB protein function. ClinVar contains an entry for this variant (Variation ID: 2075655). This variant has not been reported in the literature in individuals affected with GLRB-related conditions. This variant is present in population databases (no rsID available, gnomAD 0.006%). This sequence change replaces tyrosine, which is neutral and polar, with aspartic acid, which is acidic and polar, at codon 347 of the GLRB protein (p.Tyr347Asp).

NM_000824.5(GLRB):c.1039T>G (p.Tyr347Asp)

Gene: GLRB (glycine receptor beta; plus strand). Cytogenetic location: 4q32.1.
Variant type: single nucleotide variant.
Coding change: c.1039T>G on transcript NM_000824.5 (MANE Select); coding-DNA position 1039, T replaced by G.
Protein change: p.Tyr347Asp; replaces tyrosine 347 with aspartic acid.
Molecular consequence: missense variant. On other transcripts: intron variant (1).
Genome position (GRCh38, 1-based): chr4:157,152,852, T>G. VCF-style: chr4-157152852-T-G. GRCh37 (hg19) VCF-style: chr4-158074004-T-G.
Other names: c.1039T>G, p.Tyr347Asp (NM_001166060.2); c.904+8893T>G (NM_001166061.2); short protein forms Y347D.
Identifiers: ClinVar variation 2075655 (VCV002075655.3), dbSNP rs1229917921, ClinGen allele CA358644487.